The following is an entry in ClinVar:

NM_032520.5(GNPTG):c.494C>G (p.Thr165Ser)

Gene: GNPTG (N-acetylglucosamine-1-phosphate transferase subunit gamma; plus strand). Cytogenetic location: 16p13.3.
Variant type: single nucleotide variant.
Coding change: c.494C>G on transcript NM_032520.5 (MANE Select); coding-DNA position 494, C replaced by G.
Protein change: p.Thr165Ser; replaces threonine 165 with serine.
Molecular consequence: missense variant.
Genome position (GRCh38, 1-based): chr16:1,362,288, C>G. VCF-style: chr16-1362288-C-G. GRCh37 (hg19) VCF-style: chr16-1412289-C-G.
Other names: short protein forms T165S.
Identifiers: ClinVar variation 1046783 (VCV001046783.6), dbSNP rs113167728, ClinGen allele CA7807734.

ClinVar aggregate classification (germline): Uncertain significance (1 of 4 stars; one submission).

Allele frequency attached by ClinVar (database versions not stated): gnomAD exomes below 0.00001; ExAC 0.00001; 1000 Genomes Project 30x 0.00016; 1000 Genomes Project 0.00020.
gnomAD v4.1: 1 of 1,613,134 alleles (0.000062%); highest among the groups gnomAD compares: African/African-American, 0.0013%; no homozygotes.

Submission:

Labcorp Genetics (formerly Invitae), Labcorp
Classification: Uncertain significance. Last evaluated: 2021-08-27. Review status: criteria provided, single submitter. Criteria: Invitae Variant Classification Sherloc (09022015). Collection method: clinical testing. Allele origin: germline.
Comment: This sequence change replaces threonine with serine at codon 165 of the GNPTG protein (p.Thr165Ser). The threonine residue is highly conserved and there is a small physicochemical difference between threonine and serine. This variant is present in population databases (rs113167728, ExAC 0.01%). This variant has not been reported in the literature in individuals affected with GNPTG-related conditions. Algorithms developed to predict the effect of missense changes on protein structure and function are either unavailable or do not agree on the potential impact of this missense change (SIFT: "Tolerated"; PolyPhen-2: "Probably Damaging"; Align-GVGD: "Class C0"). In summary, the available evidence is currently insufficient to determine the role of this variant in disease. Therefore, it has been classified as a Variant of Uncertain Significance.